The following is an entry in ClinVar:

ClinVar aggregate classification (germline): Pathogenic (1 of 4 stars; one submission).

Conditions:
Hereditary cancer-predisposing syndrome. Also called: Neoplastic Syndromes, Hereditary; Tumor predisposition; Hereditary Cancer Syndrome; Hereditary neoplastic syndrome. Identifiers: Orphanet 140162, MedGen C0027672, MeSH D009386, MONDO:0015356.

Submission:

Ambry Genetics
Classification: Pathogenic for Hereditary cancer-predisposing syndrome. Last evaluated: 2018-08-23. Review status: criteria provided, single submitter. Criteria: Ambry Variant Classification Scheme 2023. Collection method: clinical testing. Allele origin: germline.
Comment: The c.2399delG pathogenic mutation, located in coding exon 10 of the BRCA2 gene, results from a deletion of one nucleotide at nucleotide position 2399, causing a translational frameshift with a predicted alternate stop codon (p.G800Vfs*10). This alteration is expected to result in loss of function by premature protein truncation or nonsense-mediated mRNA decay. As such, this alteration is interpreted as a disease-causing mutation.

NM_000059.4(BRCA2):c.2399del (p.Gly800fs)

Gene: BRCA2 (BRCA2 DNA repair associated; plus strand). Cytogenetic location: 13q13.1.
Variant type: Deletion.
Coding change: c.2399del on transcript NM_000059.4 (MANE Select); coding-DNA position 2399, one base deleted (G; older notation c.2399delG).
Protein change: p.Gly800fs; shifts the reading frame from glycine 800.
Molecular consequence: frameshift variant.
Genome position (GRCh38, 1-based): chr13:32,336,754, G deleted; the last of 2 consecutive G bases (chr13:32,336,753-32,336,754); deleting either gives the same sequence. VCF-style (leftmost placement, unchanged base first): chr13-32336752-AG-A. GRCh37 (hg19) VCF-style: chr13-32910889-AG-A.
Other names: short protein forms G800fs.
Identifiers: ClinVar variation 821215 (VCV000821215.4), dbSNP rs886040423, ClinGen allele CA915946986.
Genomic context (GRCh38, chr13:32,336,752, plus strand): 5'-GTCAAACCTAGTCATGATTTCTAGAGGCAAAGAATCATACAAAATGTCAGACAAGCTCAA[AG>A]GTAACAATTATGAATCTGATGTTGAATTAACCAAAAATATTCCCATGGAAAAGAATCAAG-3'